The following is an entry in ClinVar:

ClinVar aggregate classification (germline): Uncertain significance. Review status: criteria provided, multiple submitters, no conflicts (2 of 4 stars). 2 submissions from 2 submitters: Uncertain significance (2). Last evaluated 2025-01-24.

Conditions:
Familial thoracic aortic aneurysm and aortic dissection (TAAD). Also called: Thoracic aortic aneurysms and dissections. Identifiers: Orphanet 91387, MedGen C4707243, MONDO:0019625.
Ehlers-Danlos syndrome, type 4 (EDSVASC). Also called: Ehlers-Danlos syndrome vascular type; Ehlers Danlos syndrome, ecchymotic type; Ehlers Danlos syndrome, arterial type; Ehlers Danlos syndrome, Sack-Barabas type; Ehlers-Danlos Syndrome Type IV. Identifiers: Orphanet 286, MedGen C0268338, MONDO:0017314, OMIM 130050.

Allele frequency attached by ClinVar (database versions not stated): gnomAD exomes below 0.00001.
gnomAD v4.1: 6 of 1,614,030 alleles (0.00037%); highest among the groups gnomAD compares: Admixed American, 0.0017%; no homozygotes.

Submissions (2):

Ambry Genetics
Classification: Uncertain significance for Familial thoracic aortic aneurysm and aortic dissection. Last evaluated: 2025-01-24. Review status: criteria provided, single submitter. Criteria: Ambry Variant Classification Scheme 2023. Collection method: clinical testing. Allele origin: germline.
Comment: The p.Q6H variant (also known as c.18A>C), located in coding exon 1 of the COL3A1 gene, results from an A to C substitution at nucleotide position 18. The glutamine at codon 6 is replaced by histidine, an amino acid with highly similar properties. This variant has been reported in a language impairment cohort (Chen XS et al. Sci Rep, 2017 Apr;7:46105). This amino acid position is well conserved in available vertebrate species. In addition, the in silico prediction for this alteration is inconclusive.

Labcorp Genetics (formerly Invitae), Labcorp
Classification: Uncertain significance for Ehlers-Danlos syndrome, type 4. Last evaluated: 2022-09-20. Review status: criteria provided, single submitter. Criteria: Invitae Variant Classification Sherloc (09022015). Collection method: clinical testing. Allele origin: germline.
Comment: This sequence change replaces glutamine, which is neutral and polar, with histidine, which is basic and polar, at codon 6 of the COL3A1 protein (p.Gln6His). This variant is not present in population databases (gnomAD no frequency). This variant has not been reported in the literature in individuals affected with COL3A1-related conditions. Advanced modeling of protein sequence and biophysical properties (such as structural, functional, and spatial information, amino acid conservation, physicochemical variation, residue mobility, and thermodynamic stability) performed at Invitae indicates that this missense variant is not expected to disrupt COL3A1 protein function. In summary, the available evidence is currently insufficient to determine the role of this variant in disease. Therefore, it has been classified as a Variant of Uncertain Significance.

Literature cited by the submitters: PubMed 28440294 (cited by Ambry Genetics).

NM_000090.4(COL3A1):c.18A>C (p.Gln6His)

Gene: COL3A1 (collagen type III alpha 1 chain; plus strand). Cytogenetic location: 2q32.2.
Variant type: single nucleotide variant.
Coding change: c.18A>C on transcript NM_000090.4 (MANE Select); coding-DNA position 18, A replaced by C.
Protein change: p.Gln6His; replaces glutamine 6 with histidine.
Molecular consequence: missense variant.
Genome position (GRCh38, 1-based): chr2:188,974,507, A>C. VCF-style: chr2-188974507-A-C. GRCh37 (hg19) VCF-style: chr2-189839233-A-C.
Other names: short protein forms Q6H.
Identifiers: ClinVar variation 2170574 (VCV002170574.2), dbSNP rs892404442, ClinGen allele CA349845373.